The following is an entry in ClinVar:

ClinVar aggregate classification (germline): Uncertain significance. Review status: criteria provided, multiple submitters, no conflicts (2 of 4 stars). 2 submissions from 2 submitters: Uncertain significance (2). Last evaluated 2025-04-18.

Conditions:
Pulmonary hypertension, primary, 1 (PPH1). Also called: Pulmonary hypertension, familial primary, 1, with or without HHT. Identifiers: Orphanet 422, MedGen C4552070, MONDO:0024533, OMIM 178600.
Pulmonary venoocclusive disease 1 (PVOD1). Also called: Pulmonary venoocclusive disease 1, autosomal dominant. Identifiers: Orphanet 31837, MedGen C3887658, MONDO:0020713, OMIM 265450.
Inborn genetic diseases. Identifiers: MedGen C0950123, MeSH D030342.

gnomAD v4.1: 28 of 1,611,232 alleles (0.0017%); highest among the groups gnomAD compares: Non-Finnish European, 0.0024%; no homozygotes.

Submissions (2):

Ambry Genetics
Classification: Uncertain significance for Inborn genetic diseases. Last evaluated: 2025-04-18. Review status: criteria provided, single submitter. Criteria: Ambry Variant Classification Scheme 2023. Collection method: clinical testing. Allele origin: germline.
Comment: The p.S296N variant (also known as c.887G>A), located in coding exon 7 of the BMPR2 gene, results from a G to A substitution at nucleotide position 887. The serine at codon 296 is replaced by asparagine, an amino acid with highly similar properties. This amino acid position is conserved. In addition, this alteration is predicted to be tolerated by in silico analysis. Based on the available evidence, the clinical significance of this variant remains unclear.

Fulgent Genetics
Classification: Uncertain significance for Pulmonary hypertension, primary, 1; Pulmonary venoocclusive disease 1. Last evaluated: 2024-04-12. Review status: criteria provided, single submitter. Criteria: ACMG Guidelines, 2015. Collection method: clinical testing. Allele origin: germline.

NM_001204.7(BMPR2):c.887G>A (p.Ser296Asn)

Gene: BMPR2 (bone morphogenetic protein receptor type 2; plus strand). Cytogenetic location: 2q33.2.
Variant type: single nucleotide variant.
Coding change: c.887G>A on transcript NM_001204.7 (MANE Select); coding-DNA position 887, G replaced by A.
Protein change: p.Ser296Asn; replaces serine 296 with asparagine.
Molecular consequence: missense variant.
Genome position (GRCh38, 1-based): chr2:202,520,121, G>A. VCF-style: chr2-202520121-G-A. GRCh37 (hg19) VCF-style: chr2-203384844-G-A.
Other names: short protein forms S296N.
Identifiers: ClinVar variation 3585265 (VCV003585265.2).